The following is an entry in ClinVar:

NM_020207.7(ERCC6L2):c.297T>G (p.Phe99Leu)

Gene: ERCC6L2 (ERCC excision repair 6 like 2; plus strand). Cytogenetic location: 9q22.32.
Variant type: single nucleotide variant.
Coding change: c.297T>G on transcript NM_020207.7 (MANE Select); coding-DNA position 297, T replaced by G.
Protein change: p.Phe99Leu; replaces phenylalanine 99 with leucine.
Molecular consequence: missense variant. On other transcripts: non-coding transcript variant (1).
Genome position (GRCh38, 1-based): chr9:95,881,119, T>G. VCF-style: chr9-95881119-T-G. GRCh37 (hg19) VCF-style: chr9-98643401-T-G.
Other names: c.297T>G, p.Phe99Leu (NM_001010895.4, NM_001375291.1, NM_001375292.1 and 2 more transcripts); short protein forms F99L.
Identifiers: ClinVar variation 2723463 (VCV002723463.5), dbSNP rs1475721197, ClinGen allele CA374117480.

ClinVar aggregate classification (germline): Uncertain significance. Review status: criteria provided, multiple submitters, no conflicts (2 of 4 stars). 3 submissions from 3 submitters: Uncertain significance (3). Last evaluated 2024-12-03.

Conditions:
Inborn genetic diseases. Identifiers: MedGen C0950123, MeSH D030342.

Allele frequency attached by ClinVar (database versions not stated): gnomAD exomes below 0.00001; gnomAD 0.00001.
gnomAD v4.1: 2 of 1,613,540 alleles (0.00012%); highest among the groups gnomAD compares: African/African-American, 0.0027%; no homozygotes.

Submissions (3):

Ambry Genetics
Classification: Uncertain significance for Inborn genetic diseases. Last evaluated: 2024-12-03. Review status: criteria provided, single submitter. Criteria: Ambry Variant Classification Scheme 2023. Collection method: clinical testing. Allele origin: germline.
Comment: The p.F99L variant (also known as c.297T>G), located in coding exon 2 of the ERCC6L2 gene, results from a T to G substitution at nucleotide position 297. The phenylalanine at codon 99 is replaced by leucine, an amino acid with highly similar properties. This amino acid position is conserved. In addition, this alteration is predicted to be tolerated by in silico analysis. Based on the available evidence, the clinical significance of this variant remains unclear.

Labcorp Genetics (formerly Invitae), Labcorp
Classification: Uncertain significance. Last evaluated: 2023-07-31. Review status: criteria provided, single submitter. Criteria: Invitae Variant Classification Sherloc (09022015). Collection method: clinical testing. Allele origin: germline.
Comment: In summary, the available evidence is currently insufficient to determine the role of this variant in disease. Therefore, it has been classified as a Variant of Uncertain Significance. Algorithms developed to predict the effect of missense changes on protein structure and function output the following: SIFT: "Not Available"; PolyPhen-2: "Not Available"; Align-GVGD: "Not Available". The leucine amino acid residue is found in multiple mammalian species, which suggests that this missense change does not adversely affect protein function. This variant has not been reported in the literature in individuals affected with ERCC6L2-related conditions. This variant is not present in population databases (gnomAD no frequency). This sequence change replaces phenylalanine, which is neutral and non-polar, with leucine, which is neutral and non-polar, at codon 110 of the ERCC6L2 protein (p.Phe110Leu).

Blueprint Genetics
Classification: Uncertain significance. Last evaluated: 2022-08-09. Review status: criteria provided, single submitter. Criteria: ACMG Guidelines, 2015. Collection method: clinical testing. Allele origin: germline.